The following is an entry in ClinVar:

ClinVar aggregate classification (germline): Uncertain significance (1 of 4 stars; one submission).

Allele frequency attached by ClinVar (database versions not stated): gnomAD exomes 0.00001; ExAC 0.00007.

Submission:

Labcorp Genetics (formerly Invitae), Labcorp
Classification: Uncertain significance. Last evaluated: 2022-09-07. Review status: criteria provided, single submitter. Criteria: Invitae Variant Classification Sherloc (09022015). Collection method: clinical testing. Allele origin: germline.
Comment: In summary, the available evidence is currently insufficient to determine the role of this variant in disease. Therefore, it has been classified as a Variant of Uncertain Significance. Variants that disrupt the consensus splice site are a relatively common cause of aberrant splicing (PMID: 17576681, 9536098). Algorithms developed to predict the effect of sequence changes on RNA splicing suggest that this variant is not likely to affect RNA splicing. This variant has not been reported in the literature in individuals affected with ZNF408-related conditions. This variant is present in population databases (rs779972169, gnomAD 0.02%). This sequence change falls in intron 2 of the ZNF408 gene. It does not directly change the encoded amino acid sequence of the ZNF408 protein. It affects a nucleotide within the consensus splice site.

Literature cited by the submitters: PubMed 17576681; PubMed 9536098.

NM_024741.3(ZNF408):c.330+4T>C

Gene: ZNF408 (zinc finger protein 408; plus strand). Cytogenetic location: 11p11.2.
Variant type: single nucleotide variant.
Coding change: c.330+4T>C on transcript NM_024741.3 (MANE Select); 4 bases into the intron after coding-DNA position 330, T replaced by C.
Molecular consequence: intron variant.
Genome position (GRCh38, 1-based): chr11:46,701,680, T>C. VCF-style: chr11-46701680-T-C. GRCh37 (hg19) VCF-style: chr11-46723230-T-C.
Other names: c.306+4T>C (NM_001184751.2).
Identifiers: ClinVar variation 2029448 (VCV002029448.4), dbSNP rs779972169, ClinGen allele CA5966291.
Genomic context (GRCh38, chr11:46,701,680, plus strand): 5'-GAAGAGGAGTCTGCCTCCAAGGAGAAGGGCGAGGGAGTAAAGCCACGGCAGGAGGAGGTA[T>C]TGAAGGATAGAGCGACTTCCCTCCGCCCTTGAAAATGTAGGGGAGGTTTGGACATTGCTA-3'